The following is an entry in ClinVar:

ClinVar aggregate classification (germline): Uncertain significance. Review status: criteria provided, multiple submitters, no conflicts (2 of 4 stars). 2 submissions from 2 submitters: Uncertain significance (2). Last evaluated 2025-05-28.

Submissions (2):

Ambry Genetics
Classification: Uncertain significance. Last evaluated: 2025-05-28. Review status: criteria provided, single submitter. Criteria: Ambry Variant Classification Scheme 2023. Collection method: clinical testing. Allele origin: germline.

Labcorp Genetics (formerly Invitae), Labcorp
Classification: Uncertain significance. Last evaluated: 2023-10-23. Review status: criteria provided, single submitter. Criteria: Invitae Variant Classification Sherloc (09022015). Collection method: clinical testing. Allele origin: germline.
Comment: This sequence change replaces leucine, which is neutral and non-polar, with valine, which is neutral and non-polar, at codon 90 of the PLEKHM2 protein (p.Leu90Val). This variant is not present in population databases (gnomAD no frequency). This variant has not been reported in the literature in individuals affected with PLEKHM2-related conditions. An algorithm developed to predict the effect of missense changes on protein structure and function (PolyPhen-2) suggests that this variant is likely to be tolerated. In summary, the available evidence is currently insufficient to determine the role of this variant in disease. Therefore, it has been classified as a Variant of Uncertain Significance.

NM_015164.4(PLEKHM2):c.268C>G (p.Leu90Val)

Gene: PLEKHM2 (pleckstrin homology and RUN domain containing M2; plus strand). Cytogenetic location: 1p36.21.
Variant type: single nucleotide variant.
Coding change: c.268C>G on transcript NM_015164.4 (MANE Select); coding-DNA position 268, C replaced by G.
Protein change: p.Leu90Val; replaces leucine 90 with valine.
Molecular consequence: missense variant.
Genome position (GRCh38, 1-based): chr1:15,716,807, C>G. VCF-style: chr1-15716807-C-G. GRCh37 (hg19) VCF-style: chr1-16043302-C-G.
Other names: c.268C>G, p.Leu90Val (NM_001410755.1); c.268C>G (NM_015164.2); short protein forms L90V.
Identifiers: ClinVar variation 2907263 (VCV002907263.4), dbSNP rs2148357807, ClinGen allele CA338578829.